The following is an entry in ClinVar:

NM_147127.5(EVC2):c.2394_2395delinsA (p.Asp799fs)

Gene: EVC2 (EvC ciliary complex subunit 2; minus strand). Cytogenetic location: 4p16.2.
Variant type: Indel.
Coding change: c.2394_2395delinsA on transcript NM_147127.5 (MANE Select); coding-DNA positions 2394 to 2395, GG replaced by A.
Protein change: p.Asp799fs; shifts the reading frame from aspartic acid 799.
Molecular consequence: frameshift variant.
Genome position (GRCh38, 1-based): chr4:5,622,643-5,622,644, CC replaced by T on the plus strand (GG replaced by A on the coding strand, the reverse complement: EVC2 is on the minus strand). VCF-style: chr4-5622643-CC-T. GRCh37 (hg19) VCF-style: chr4-5624370-CC-T.
Other names: c.2154_2155delinsA, p.Asp719fs (NM_001166136.2); short protein forms D719fs, D799fs.
Identifiers: ClinVar variation 5013002 (VCV005013002.1).
Genomic context (GRCh38, chr4:5,622,643, plus strand): 5'-TCACGGCCTCAGGAGCGTCATCCTTCAGTCTCTGCCTCACGCTCTGGACACCCTCCTGGT[CC>T]CTGTCCCTCTCCTCCCCCTCCAGCTGCTCGGCCCGTGCAGCCATCTCCTTGCCGTGCTCC-3'

ClinVar aggregate classification (germline): Pathogenic (1 of 4 stars; one submission).

Conditions:
Ellis-van Creveld syndrome (EVC). Also called: MESOECTODERMAL DYSPLASIA; Chondroectodermal dysplasia. Identifiers: Orphanet 289, MedGen C0013903, MONDO:0009162, OMIM 225500.

Submission:

Myriad Genetics, Inc.
Classification: Pathogenic for Ellis-van Creveld syndrome. Last evaluated: 2024-05-03. Review status: criteria provided, single submitter. Criteria: Myriad Autosomal Dominant, Autosomal Recessive and X-Linked Classification Criteria (2023). Collection method: clinical testing. Allele origin: unknown.
Comment: NM_147127.4(EVC2):c.2394_2395delGGinsA(D799Tfs*8) is expected to be pathogenic in the context of EVC2-related Ellis-van Creveld syndrome. This variant is predicted to lead to an abnormal or absent protein product due to the creation of a premature termination codon in EVC2, a gene where loss-of-function variants are known to be pathogenic. Please note: this variant was assessed in the context of healthy population screening.